The following is an entry in ClinVar:

ClinVar aggregate classification (germline): Uncertain significance (1 of 4 stars; one submission).

Conditions:
KLHL24-related disorder. Also called: KLHL24-related condition.

gnomAD v4.1: 3 of 152,166 alleles (0.002%); highest among the groups gnomAD compares: African/African-American, 0.0048%; no homozygotes.

Submission:

PreventionGenetics, part of Exact Sciences
Classification: Uncertain significance for KLHL24-related condition. Last evaluated: 2025-09-03. Review status: criteria provided, single submitter. Criteria: ACMG Guidelines, 2015. Collection method: clinical testing. Allele origin: germline.
Comment: The KLHL24 c.16C>T variant is predicted to result in premature protein termination (p.Arg6*). On the MANE transcript (NM_017644.3), this variant is deep intronic (c.920+2752C>T) and is not predicted to impact splicing (SpliceAI, Jaganathan et al. 2019. PubMed ID: 30661751). To our knowledge, this variant has not been reported in the literature. This variant is reported in 0.011% of alleles in individuals of African descent in gnomAD. At this time, the clinical significance of this variant is uncertain due to the absence of conclusive functional and genetic evidence.

NM_017644.3(KLHL24):c.920+2752C>T

Gene: KLHL24 (kelch like family member 24; plus strand). Cytogenetic location: 3q27.1.
Variant type: single nucleotide variant.
Coding change: c.920+2752C>T on transcript NM_017644.3 (MANE Select); 2752 bases into the intron after coding-DNA position 920, C replaced by T.
Molecular consequence: intron variant. On other transcripts: nonsense (2).
Genome position (GRCh38, 1-based): chr3:183,654,028, C>T. VCF-style: chr3-183654028-C-T. GRCh37 (hg19) VCF-style: chr3-183371816-C-T.
Other names: c.16C>T, p.Arg6Ter (NM_001349428.1, NM_001349429.1); c.920+2752C>T (NM_001349418.1, NM_001349424.1, NM_001349413.1 and 11 more transcripts); short protein forms R6*.
Identifiers: ClinVar variation 4990006 (VCV004990006.1).